The following is an entry in ClinVar:

ClinVar aggregate classification (germline): Uncertain significance (1 of 4 stars; one submission).

Allele frequency attached by ClinVar (database versions not stated): gnomAD exomes 0.00003; ExAC 0.00001; gnomAD 0.00001; TOPMed 0.00001.
gnomAD v4.1: 36 of 1,612,562 alleles (0.0022%); highest among the groups gnomAD compares: Non-Finnish European, 0.0031%; no homozygotes.

Submission:

Labcorp Genetics (formerly Invitae), Labcorp
Classification: Uncertain significance. Last evaluated: 2025-08-13. Review status: criteria provided, single submitter. Criteria: Invitae Variant Classification Sherloc (09022015). Collection method: clinical testing. Allele origin: germline.
Comment: This sequence change replaces serine, which is neutral and polar, with isoleucine, which is neutral and non-polar, at codon 1836 of the DCHS1 protein (p.Ser1836Ile). This variant is present in population databases (rs772766342, gnomAD 0.003%). This variant has not been reported in the literature in individuals affected with DCHS1-related conditions. ClinVar contains an entry for this variant (Variation ID: 2970636). Invitae Evidence Modeling of protein sequence and biophysical properties (such as structural, functional, and spatial information, amino acid conservation, physicochemical variation, residue mobility, and thermodynamic stability) indicates that this missense variant is expected to disrupt DCHS1 protein function with a positive predictive value of 80%. In summary, the available evidence is currently insufficient to determine the role of this variant in disease. Therefore, it has been classified as a Variant of Uncertain Significance.

NM_003737.4(DCHS1):c.5507G>T (p.Ser1836Ile)

Gene: DCHS1 (dachsous cadherin-related 1; minus strand). Cytogenetic location: 11p15.4.
Variant type: single nucleotide variant.
Coding change: c.5507G>T on transcript NM_003737.4 (MANE Select); coding-DNA position 5507, G replaced by T.
Protein change: p.Ser1836Ile; replaces serine 1836 with isoleucine.
Molecular consequence: missense variant.
Genome position (GRCh38, 1-based): chr11:6,627,532, C>A on the plus strand (G>T on the coding strand, the complement: DCHS1 is on the minus strand). VCF-style: chr11-6627532-C-A. GRCh37 (hg19) VCF-style: chr11-6648763-C-A.
Other names: short protein forms S1836I.
Identifiers: ClinVar variation 2970636 (VCV002970636.3), dbSNP rs772766342, ClinGen allele CA5860079.